The following is an entry in ClinVar:

NM_001165963.4(SCN1A):c.5296_5298del (p.Phe1766del)

Genes: SCN1A (sodium voltage-gated channel alpha subunit 1; minus strand), LOC102724058 (uncharacterized LOC102724058; plus strand). Cytogenetic location: 2q24.3.
Variant type: Deletion.
Coding change: c.5296_5298del on transcript NM_001165963.4 (MANE Select); coding-DNA positions 5296 to 5298, 3 bases deleted (TTT; older notation c.5296_5298delTTT).
Protein change: p.Phe1766del; deletes phenylalanine 1766.
Molecular consequence: inframe deletion. On other transcripts: non-coding transcript variant (1).
Genome position (GRCh38, 1-based): chr2:165,991,977-165,991,979, AAA deleted on the plus strand (TTT on the coding strand, the reverse complement: SCN1A is on the minus strand); deleting any 3 consecutive bases within chr2:165,991,977-165,991,982 gives the same sequence; the c. name uses the placement nearest the transcript's 3' end. VCF-style (leftmost placement, unchanged base first): chr2-165991976-CAAA-C. GRCh37 (hg19) VCF-style: chr2-166848486-CAAA-C.
Other names: c.5212_5214del, p.Phe1738del (NM_001165964.3, NM_001353957.2, NM_001353958.2); c.5296_5298del, p.Phe1766del (NM_001202435.3, NM_001353948.2); c.5263_5265del, p.Phe1755del (NM_001353949.2, NM_001353950.2, NM_001353951.2 and 2 more transcripts); c.5260_5262del, p.Phe1754del (NM_001353954.2, NM_001353955.2); c.5209_5211del, p.Phe1737del (NM_001353960.2); c.2854_2856del, p.Phe952del (NM_001353961.2); short protein forms F1737del, F1738del, F1754del, F1766del, F1755del, F952del.
Identifiers: ClinVar variation 1357697 (VCV001357697.7), dbSNP rs794726832, ClinGen allele CA2573133694.
Genomic context (GRCh38, chr2:165,991,976, plus strand): 5'-CCAGGATGACCGCGATGTACATGTTCACCACAACCAGGAAGGATATGATGATGTAACTGA[CAAA>C]AAAGAAAATTCCAACAGATGGGTTCCCACAGTCTCCCTTAACTGAGCTTCCAGGGTTAAC-3'

ClinVar aggregate classification (germline): Pathogenic (1 of 4 stars; one submission).

Conditions:
Early-infantile DEE. Also called: Early infantile epileptic encephalopathy with suppression bursts; Early infantile epileptic encephalopathy; Ohtahara syndrome. Identifiers: Orphanet 1934, MedGen C0393706, MONDO:0800491.

Submission:

Labcorp Genetics (formerly Invitae), Labcorp
Classification: Pathogenic for Early-infantile DEE. Last evaluated: 2022-07-05. Review status: criteria provided, single submitter. Criteria: Invitae Variant Classification Sherloc (09022015). Collection method: clinical testing. Allele origin: germline.
Comment: For these reasons, this variant has been classified as Pathogenic. This variant disrupts a region of the SCN1A protein in which other variant(s) (p.Phe1765Leu) have been determined to be pathogenic (PMID: 20550552). This suggests that this is a clinically significant region of the protein, and that variants that disrupt it are likely to be disease-causing. Experimental studies and prediction algorithms are not available or were not evaluated, and the functional significance of this variant is currently unknown. ClinVar contains an entry for this variant (Variation ID: 1357697). This variant has been observed in individual(s) with Dravet syndrome (PMID: 23195492). In at least one individual the variant was observed to be de novo. This variant is not present in population databases (gnomAD no frequency). This variant, c.5296_5298del, results in the deletion of 1 amino acid(s) of the SCN1A protein (p.Phe1766del), but otherwise preserves the integrity of the reading frame.

Literature cited by the submitters: PubMed 20550552; PubMed 23195492.